The following is an entry in ClinVar:

ClinVar aggregate classification (germline): Conflicting classifications of pathogenicity. Review status: criteria provided, conflicting classifications (1 of 4 stars). 2 submissions from 2 submitters: Likely pathogenic (1); Uncertain significance (1). Last evaluated 2025-07-24.

Conditions:
PRPF8-related disorder. Also called: PRPF8-related condition.

gnomAD v4.1: 6 of 1,614,212 alleles (0.00037%); highest among the groups gnomAD compares: South Asian, 0.0066%; no homozygotes.

Submissions (2):

Labcorp Genetics (formerly Invitae), Labcorp
Classification: Uncertain significance. Last evaluated: 2025-07-24. Review status: criteria provided, single submitter. Criteria: Invitae Variant Classification Sherloc (09022015). Collection method: clinical testing. Allele origin: germline.
Comment: This sequence change replaces lysine, which is basic and polar, with methionine, which is neutral and non-polar, at codon 2113 of the PRPF8 protein (p.Lys2113Met). This variant is present in population databases (rs776775854, gnomAD 0.003%). This variant has not been reported in the literature in individuals affected with PRPF8-related conditions. Invitae Evidence Modeling of protein sequence and biophysical properties (such as structural, functional, and spatial information, amino acid conservation, physicochemical variation, residue mobility, and thermodynamic stability) indicates that this missense variant is not expected to disrupt PRPF8 protein function with a negative predictive value of 80%. This variant disrupts the p.Lys2113 amino acid residue in PRPF8. Other variant(s) that disrupt this residue have been determined to be pathogenic (PMID: 22581970, 29099798, 34906470). This suggests that this residue is clinically significant, and that variants that disrupt this residue are likely to be disease-causing. In summary, the available evidence is currently insufficient to determine the role of this variant in disease. Therefore, it has been classified as a Variant of Uncertain Significance.

Blueprint Genetics
Classification: Likely pathogenic for PRPF8-related disorders. Last evaluated: 2021-06-29. Review status: criteria provided, single submitter. Criteria: ACMG Guidelines, 2015. Collection method: clinical testing. Allele origin: germline. Affected: yes. Observed: 4 variant alleles.

Literature cited by the submitters: PubMed 22581970 (cited by Labcorp Genetics (formerly Invitae), Labcorp); PubMed 29099798 (cited by Labcorp Genetics (formerly Invitae), Labcorp); PubMed 34906470 (cited by Labcorp Genetics (formerly Invitae), Labcorp).

NM_006445.4(PRPF8):c.6338A>T (p.Lys2113Met)

Gene: PRPF8 (pre-mRNA processing factor 8; minus strand). Cytogenetic location: 17p13.3.
Variant type: single nucleotide variant.
Coding change: c.6338A>T on transcript NM_006445.4 (MANE Select); coding-DNA position 6338, A replaced by T.
Protein change: p.Lys2113Met; replaces lysine 2113 with methionine.
Molecular consequence: missense variant.
Genome position (GRCh38, 1-based): chr17:1,653,573, T>A on the plus strand (A>T on the coding strand, the complement: PRPF8 is on the minus strand). VCF-style: chr17-1653573-T-A. GRCh37 (hg19) VCF-style: chr17-1556867-T-A.
Other names: short protein forms K2113M.
Identifiers: ClinVar variation 4695989 (VCV004695989.2).